The following is an entry in ClinVar:

ClinVar aggregate classification (germline): Uncertain significance (1 of 4 stars; one submission).

Submission:

GeneDx
Classification: Uncertain significance. Last evaluated: 2026-04-20. Review status: criteria provided, single submitter. Criteria: GeneDx Variant Classification Process June 2021. Collection method: clinical testing. Allele origin: germline.
Comment: Not observed at significant frequency in large population cohorts (gnomAD); In silico analysis suggests that this missense variant does not alter protein structure/function; Has not been previously published as pathogenic or benign to our knowledge

NM_001256317.3(TMPRSS3):c.517G>A (p.Asp173Asn)

Gene: TMPRSS3 (transmembrane serine protease 3; minus strand). Cytogenetic location: 21q22.3.
Variant type: single nucleotide variant.
Coding change: c.517G>A on transcript NM_001256317.3 (MANE Select); coding-DNA position 517, G replaced by A.
Protein change: p.Asp173Asn; replaces aspartic acid 173 with asparagine.
Molecular consequence: missense variant.
Genome position (GRCh38, 1-based): chr21:42,385,464, C>T on the plus strand (G>A on the coding strand, the complement: TMPRSS3 is on the minus strand). VCF-style: chr21-42385464-C-T. GRCh37 (hg19) VCF-style: chr21-43805573-C-T.
Other names: c.517G>A, p.Asp173Asn (NM_024022.4, NM_032405.2); c.136G>A, p.Asp46Asn (NM_032404.3); short protein forms D173N, D46N.
Identifiers: ClinVar variation 5037159 (VCV005037159.1).